The following is an entry in ClinVar:

NM_000444.6(PHEX):c.1927_1928del (p.Asn643fs)

Genes: PHEX (phosphate regulating endopeptidase X-linked; plus strand), PTCHD1-AS (PTCHD1 and PHEX antisense RNA; minus strand). Cytogenetic location: Xp22.11.
Variant type: Deletion.
Coding change: c.1927_1928del on transcript NM_000444.6 (MANE Select); coding-DNA positions 1927 to 1928, 2 bases deleted (AA; older notation c.1927_1928delAA).
Protein change: p.Asn643fs; shifts the reading frame from asparagine 643.
Molecular consequence: frameshift variant.
Genome position (GRCh38, 1-based): chrX:22,226,470-22,226,471, AA deleted; deleting any 2 consecutive bases within chrX:22,226,468-22,226,471 gives the same sequence; the c. name uses the placement nearest the transcript's 3' end. VCF-style (leftmost placement, unchanged base first): chrX-22226467-GAA-G. GRCh37 (hg19) VCF-style: chrX-22244584-GAA-G.
Other names: c.1927_1928del, p.Asn643fs (NM_001282754.2); short protein forms N643fs.
Identifiers: ClinVar variation 2573409 (VCV002573409.1), dbSNP rs2518674723, ClinGen allele CA2580616907.

ClinVar aggregate classification (germline): Pathogenic (1 of 4 stars; one submission).

Conditions:
Familial X-linked hypophosphatemic vitamin D refractory rickets (XLHRD). Also called: X-Linked Hypophosphatemia; HYPOPHOSPHATEMIC VITAMIN D-RESISTANT RICKETS; Hypophosphatemia, vitamin D-resistant rickets; Vitamin D-resistant rickets, X-linked; Hypophosphatemic Rickets, X-Linked Dominant. Identifiers: Orphanet 89936, MedGen C0733682, MONDO:0010619, OMIM 307800.

Submission:

Women's Health and Genetics/Laboratory Corporation of America, LabCorp
Classification: Pathogenic for Familial X-linked hypophosphatemic vitamin D refractory rickets. Last evaluated: 2023-06-28. Review status: criteria provided, single submitter. Criteria: LabCorp Variant Classification Summary - May 2015. Collection method: clinical testing. Allele origin: germline.
Comment: Variant summary: PHEX c.1927_1928delAA (p.Asn643TyrfsX3) results in a premature termination codon, predicted to cause a truncation of the encoded protein or absence of the protein due to nonsense mediated decay, which are commonly known mechanisms for disease. Variants downstream of this position have been classified as pathogenic by our laboratory. The variant was absent in 183440 control chromosomes (gnomAD). To our knowledge, no occurrence of c.1927_1928delAA in individuals affected with X-Linked Hypophosphatemic Rickets and no experimental evidence demonstrating its impact on protein function have been reported. No submitters have cited clinical-significance assessments for this variant to ClinVar after 2014. Based on the evidence outlined above, the variant was classified as pathogenic.